The following is an entry in ClinVar:

NM_080605.4(B3GALT6):c.795A>C (p.Glu265Asp)

Gene: B3GALT6 (beta-1,3-galactosyltransferase 6; plus strand). Cytogenetic location: 1p36.33.
Variant type: single nucleotide variant.
Coding change: c.795A>C on transcript NM_080605.4 (MANE Select); coding-DNA position 795, A replaced by C.
Protein change: p.Glu265Asp; replaces glutamic acid 265 with aspartic acid.
Molecular consequence: missense variant.
Genome position (GRCh38, 1-based): chr1:1,233,073, A>C. VCF-style: chr1-1233073-A-C. GRCh37 (hg19) VCF-style: chr1-1168453-A-C.
Other names: B3GALT6, GLU265ASP; p.Glu265Asp; short protein forms E265D.
Identifiers: ClinVar variation 838573 (VCV000838573.13), dbSNP rs374677519, ClinGen allele CA16755653.

ClinVar aggregate classification (germline): Conflicting classifications of pathogenicity. Review status: criteria provided, conflicting classifications (1 of 4 stars). 5 submissions from 5 submitters: Likely pathogenic (1); Uncertain significance (3). 1 of the submissions does not count toward it. Last evaluated 2025-10-21.

Conditions:
Al-Gazali syndrome. Also called: Al Gazali Al Talabani syndrome; Eye defects arachnodactyly cardiopathy. Identifiers: MedGen C1836121, MONDO:0012282, OMIM 609465.
Ehlers-Danlos syndrome, spondylodysplastic type, 2 (EDSSPD2). Also called: Ehlers-Danlos syndrome, progeroid type, 2. Identifiers: Orphanet 536467, Orphanet 75496, MedGen C3809210, MONDO:0014139, OMIM 615349.
Spondyloepimetaphyseal dysplasia with joint laxity (SEMDJL). Identifiers: MedGen C0432243, MONDO:0019675.

Allele frequency attached by ClinVar (database versions not stated): gnomAD 0.00001; ESP Exome Variant Server 0.00008; gnomAD exomes 0.00003; TOPMed 0.00001.

Submissions (5):

Mayo Clinic Laboratories, Mayo Clinic
Classification: Uncertain significance. Last evaluated: 2025-10-21. Review status: criteria provided, single submitter. Criteria: ACMG Guidelines, 2015. Collection method: clinical testing. Allele origin: germline. Observed: 1 variant allele.
Comment: PP3, PM2_supporting, PM3, PS3_supporting

Labcorp Genetics (formerly Invitae), Labcorp
Classification: Likely pathogenic for Ehlers-Danlos syndrome, spondylodysplastic type, 2; Spondyloepimetaphyseal dysplasia with joint laxity. Last evaluated: 2025-07-16. Review status: criteria provided, single submitter. Criteria: Invitae Variant Classification Sherloc (09022015). Collection method: clinical testing. Allele origin: germline.
Comment: This sequence change replaces glutamic acid, which is acidic and polar, with aspartic acid, which is acidic and polar, at codon 265 of the B3GALT6 protein (p.Glu265Asp). This variant is not present in population databases (gnomAD no frequency). This missense change has been observed in individuals with B3GALT6-related skeletal dysplasia (PMID: 25149931, 29931299, 37657630). ClinVar contains an entry for this variant (Variation ID: 838573). Invitae Evidence Modeling of protein sequence and biophysical properties (such as structural, functional, and spatial information, amino acid conservation, physicochemical variation, residue mobility, and thermodynamic stability) indicates that this missense variant is expected to disrupt B3GALT6 protein function with a positive predictive value of 80%. Experimental studies have shown that this missense change affects B3GALT6 function (PMID: 29931299). In summary, the currently available evidence indicates that the variant is pathogenic, but additional data are needed to prove that conclusively. Therefore, this variant has been classified as Likely Pathogenic.

Daryl Scott Lab, Baylor College of Medicine
Classification: Uncertain significance for Ehlers-Danlos syndrome, spondylodysplastic type, 2. Last evaluated: 2020-11-11. Review status: criteria provided, single submitter. Criteria: ACMG Guidelines, 2015. Collection method: clinical testing. Allele origin: maternal. Observed: 1 variant allele, 1 compound heterozygote.

Revvity Omics, Revvity
Classification: Uncertain significance. Last evaluated: 2020-06-18. Review status: criteria provided, single submitter. Criteria: ACMG Guidelines, 2015. Collection method: clinical testing. Allele origin: germline.

OMIM
Classification: Pathogenic for AL-GAZALI SYNDROME. Last evaluated: 2020-04-27. Review status: no assertion criteria provided. Collection method: literature only. Allele origin: germline. Not counted in ClinVar's aggregate classification.

Literature cited by the submitters: PubMed 25149931 (cited by 3 submitters); PubMed 29443383 (cited by Mayo Clinic Laboratories, Mayo Clinic and OMIM); PubMed 29931299 (cited by Mayo Clinic Laboratories, Mayo Clinic and Labcorp Genetics (formerly Invitae), Labcorp); PubMed 31614862 (cited by Mayo Clinic Laboratories, Mayo Clinic); PubMed 32629534 (cited by Mayo Clinic Laboratories, Mayo Clinic); PubMed 33461977 (cited by Mayo Clinic Laboratories, Mayo Clinic and Daryl Scott Lab, Baylor College of Medicine); PubMed 37657630 (cited by Mayo Clinic Laboratories, Mayo Clinic and Labcorp Genetics (formerly Invitae), Labcorp).